The following is an entry in ClinVar:

ClinVar aggregate classification (germline): Uncertain significance. Review status: criteria provided, multiple submitters, no conflicts (2 of 4 stars). 2 submissions from 2 submitters: Uncertain significance (2). Last evaluated 2025-07-22.

Conditions:
Inborn genetic diseases. Identifiers: MedGen C0950123, MeSH D030342.

Allele frequency attached by ClinVar (database versions not stated): ExAC 0.00003; gnomAD 0.00003; gnomAD exomes 0.00003; TOPMed 0.00003.
gnomAD v4.1: 68 of 1,600,044 alleles (0.0042%); highest among the groups gnomAD compares: Non-Finnish European, 0.0052%; no homozygotes.

Submissions (2):

Labcorp Genetics (formerly Invitae), Labcorp
Classification: Uncertain significance. Last evaluated: 2025-07-22. Review status: criteria provided, single submitter. Criteria: Invitae Variant Classification Sherloc (09022015). Collection method: clinical testing. Allele origin: germline.
Comment: This sequence change replaces valine, which is neutral and non-polar, with isoleucine, which is neutral and non-polar, at codon 247 of the NCSTN protein (p.Val247Ile). This variant is present in population databases (rs202069681, gnomAD 0.006%). This variant has not been reported in the literature in individuals affected with NCSTN-related conditions. ClinVar contains an entry for this variant (Variation ID: 1359141). Invitae Evidence Modeling of protein sequence and biophysical properties (such as structural, functional, and spatial information, amino acid conservation, physicochemical variation, residue mobility, and thermodynamic stability) indicates that this missense variant is not expected to disrupt NCSTN protein function with a negative predictive value of 80%. In summary, the available evidence is currently insufficient to determine the role of this variant in disease. Therefore, it has been classified as a Variant of Uncertain Significance.

Ambry Genetics
Classification: Uncertain significance for Inborn genetic diseases. Last evaluated: 2025-06-12. Review status: criteria provided, single submitter. Criteria: Ambry Variant Classification Scheme 2023. Collection method: clinical testing. Allele origin: germline.

NM_015331.3(NCSTN):c.739G>A (p.Val247Ile)

Gene: NCSTN (nicastrin; plus strand). Cytogenetic location: 1q23.2.
Variant type: single nucleotide variant.
Coding change: c.739G>A on transcript NM_015331.3 (MANE Select); coding-DNA position 739, G replaced by A.
Protein change: p.Val247Ile; replaces valine 247 with isoleucine.
Molecular consequence: missense variant. On other transcripts: intron variant (1).
Genome position (GRCh38, 1-based): chr1:160,351,701, G>A. VCF-style: chr1-160351701-G-A. GRCh37 (hg19) VCF-style: chr1-160321491-G-A.
Other names: c.739G>A (NM_015331.2); c.679G>A, p.Val227Ile (NM_001290184.2); c.739G>A, p.Val247Ile (NM_001349729.2); c.583-1186G>A (NM_001290186.2); short protein forms V227I, V247I.
Identifiers: ClinVar variation 1359141 (VCV001359141.7), dbSNP rs202069681, ClinGen allele CA1198811.